The following is an entry in ClinVar:

ClinVar aggregate classification (germline): Uncertain significance (1 of 4 stars; one submission).

Allele frequency attached by ClinVar (database versions not stated): TOPMed below 0.00001; gnomAD exomes 0.00001.
gnomAD v4.1: 3 of 1,614,168 alleles (0.00019%); highest among the groups gnomAD compares: Admixed American, 0.005%; no homozygotes.

Submission:

Labcorp Genetics (formerly Invitae), Labcorp
Classification: Uncertain significance. Last evaluated: 2024-11-14. Review status: criteria provided, single submitter. Criteria: Invitae Variant Classification Sherloc (09022015). Collection method: clinical testing. Allele origin: germline.
Comment: This sequence change replaces glycine, which is neutral and non-polar, with serine, which is neutral and polar, at codon 3963 of the KMT2A protein (p.Gly3963Ser). This variant is present in population databases (no rsID available, gnomAD 0.006%). This variant has not been reported in the literature in individuals affected with KMT2A-related conditions. ClinVar contains an entry for this variant (Variation ID: 2876680). Invitae Evidence Modeling of protein sequence and biophysical properties (such as structural, functional, and spatial information, amino acid conservation, physicochemical variation, residue mobility, and thermodynamic stability) has been performed for this missense variant. However, the output from this modeling did not meet the statistical confidence thresholds required to predict the impact of this variant on KMT2A protein function. In summary, the available evidence is currently insufficient to determine the role of this variant in disease. Therefore, it has been classified as a Variant of Uncertain Significance.

NM_001197104.2(KMT2A):c.11887G>A (p.Gly3963Ser)

Genes: KMT2A (lysine methyltransferase 2A; plus strand), TTC36-AS1 (TTC36 and KMT2A antisense RNA 1; minus strand). Cytogenetic location: 11q23.3.
Variant type: single nucleotide variant.
Coding change: c.11887G>A on transcript NM_001197104.2 (MANE Select); coding-DNA position 11887, G replaced by A.
Protein change: p.Gly3963Ser; replaces glycine 3963 with serine.
Molecular consequence: missense variant.
Genome position (GRCh38, 1-based): chr11:118,522,140, G>A. VCF-style: chr11-118522140-G-A. GRCh37 (hg19) VCF-style: chr11-118392855-G-A.
Other names: c.11977G>A, p.Gly3993Ser (NM_001412597.1); c.11878G>A, p.Gly3960Ser (NM_005933.4); short protein forms G3963S, G3993S, G3960S.
Identifiers: ClinVar variation 2876680 (VCV002876680.3), dbSNP rs1036236249, ClinGen allele CA229540299.
Genomic context (GRCh38, chr11:118,522,140, plus strand): 5'-CTCACTTACGACTATAAGTTCCCCATTGAGGATGCCAGCAACAAGCTGCCCTGCAACTGT[G>A]GCGCCAAGAAATGCCGGAAGTTCCTAAACTAAAGCTGCTCTTCTCCCCCAGTGTTGGAGT-3'
Protein context (NP_001184033.1, residues 3953-3972): DASNKLPCNC[Gly3963Ser]AKKCRKFLN